The following is an entry in ClinVar:

ClinVar aggregate classification (germline): Likely pathogenic (1 of 4 stars; one submission).

Conditions:
Alstrom syndrome (ALMS). Identifiers: Orphanet 64, MedGen C0268425, MONDO:0008763, OMIM 203800.

Submission:

Myriad Genetics, Inc.
Classification: Likely pathogenic for Alstrom syndrome. Last evaluated: 2021-12-16. Review status: criteria provided, single submitter. Criteria: Myriad Women's Health Autosomal Recessive and X-Linked Classification Criteria (2021). Collection method: clinical testing. Allele origin: unknown.
Comment: NM_015120.4(ALMS1):c.11946T>A(C3982*) is expected to be pathogenic in the context of Alstrom syndrome. This variant is predicted to lead to an abnormal or absent protein product due to the creation of a premature termination codon in ALMS1, a gene where loss-of-function variants are known to be pathogenic. Please note: this variant was assessed in the context of healthy population screening.

NM_001378454.1(ALMS1):c.11943T>A (p.Cys3981Ter)

Genes: ALMS1 (ALMS1 centrosome and basal body associated protein; plus strand), LOC126806252 (BRD4-independent group 4 enhancer GRCh37_chr2:73828496-73829695; plus strand). Cytogenetic location: 2p13.1.
Variant type: single nucleotide variant.
Coding change: c.11943T>A on transcript NM_001378454.1 (MANE Select); coding-DNA position 11943, T replaced by A.
Protein change: p.Cys3981Ter; replaces cysteine 3981 with a stop codon.
Molecular consequence: nonsense.
Genome position (GRCh38, 1-based): chr2:73,601,265, T>A. VCF-style: chr2-73601265-T-A. GRCh37 (hg19) VCF-style: chr2-73828392-T-A.
Other names: c.11946T>A, p.Cys3982Ter (NM_015120.4); short protein forms C3981*, C3982*.
Identifiers: ClinVar variation 1726315 (VCV001726315.2), dbSNP rs2466522425, ClinGen allele CA347265832.